The following is an entry in ClinVar:

NM_004408.4(DNM1):c.786T>A (p.His262Gln)

Gene: DNM1 (dynamin 1; plus strand). Cytogenetic location: 9q34.11.
Variant type: single nucleotide variant.
Coding change: c.786T>A on transcript NM_004408.4 (MANE Select); coding-DNA position 786, T replaced by A.
Protein change: p.His262Gln; replaces histidine 262 with glutamine.
Molecular consequence: missense variant.
Genome position (GRCh38, 1-based): chr9:128,220,278, T>A. VCF-style: chr9-128220278-T-A. GRCh37 (hg19) VCF-style: chr9-130982557-T-A.
Other names: c.786T>A, p.His262Gln (NM_001005336.3, NM_001288737.2, NM_001288738.2 and 2 more transcripts); short protein forms H262Q.
Identifiers: ClinVar variation 1426692 (VCV001426692.8), dbSNP rs1376656660, ClinGen allele CA375013381.

ClinVar aggregate classification (germline): Uncertain significance (1 of 4 stars; one submission).

Conditions:
Developmental and epileptic encephalopathy, 31A. Also called: Epileptic encephalopathy, early infantile, 31; Developmental and epileptic encephalopathy, 31. Identifiers: Orphanet 2382, MedGen C4225357, MONDO:0014598, OMIM 616346.

Allele frequency attached by ClinVar (database versions not stated): gnomAD exomes below 0.00001; TOPMed 0.00002.
gnomAD v4.1: 1 of 1,614,194 alleles (0.000062%); highest among the groups gnomAD compares: African/African-American, 0.0013%; no homozygotes.

Submission:

Labcorp Genetics (formerly Invitae), Labcorp
Classification: Uncertain significance for Developmental and epileptic encephalopathy, 31A. Last evaluated: 2025-11-05. Review status: criteria provided, single submitter. Criteria: Invitae Variant Classification Sherloc (09022015). Collection method: clinical testing. Allele origin: germline.
Comment: This sequence change replaces histidine, which is basic and polar, with glutamine, which is neutral and polar, at codon 262 of the DNM1 protein (p.His262Gln). This variant is present in population databases (no rsID available, gnomAD 0.007%). This variant has not been reported in the literature in individuals affected with DNM1-related conditions. ClinVar contains an entry for this variant (Variation ID: 1426692). Invitae Evidence Modeling of protein sequence and biophysical properties (such as structural, functional, and spatial information, amino acid conservation, physicochemical variation, residue mobility, and thermodynamic stability) indicates that this missense variant is expected to disrupt DNM1 protein function with a positive predictive value of 80%. In summary, the available evidence is currently insufficient to determine the role of this variant in disease. Therefore, it has been classified as a Variant of Uncertain Significance.